The following is an entry in ClinVar:

GRCh37/hg19 16p13.11(chr16:15480000-16280000)x1

Genes: ABCC1 (ATP binding cassette subfamily C member 1 (ABCC1 blood group); plus strand), ABCC6 (ATP binding cassette subfamily C member 6; minus strand), BMERB1 (bMERB domain containing 1; plus strand), CEP20 (centrosomal protein 20; minus strand), MARF1 (meiosis regulator and mRNA stability factor 1; minus strand) and 3 more. Cytogenetic location: 16p13.11.
Variant type: copy number loss.
Change: copy number 1 (one copy instead of two) of chr16:15,480,000-16,280,000 (800.0 kb, GRCh37 coordinates, 1-based), cytogenetic band 16p13.11.
Identifiers: ClinVar variation 3770233 (VCV003770233.1).

ClinVar aggregate classification (germline): Pathogenic (1 of 4 stars; one submission).

Submission:

Department of Neurology, Zibo Changguo Hospital
Classification: Pathogenic. Last evaluated: 2025-01-11. Review status: criteria provided, single submitter. Criteria: ACMG/ClinGen CNV Guidelines, 2019. Collection method: clinical testing. Allele origin: unknown.
Comment: The deletion in this region is associated with 16p13.11 microdeletion syndrome, which follows an autosomal dominant inheritance pattern but exhibits incomplete penetrance, with a penetrance rate of approximately 13.1% [PMID: 23258348]. Even within the same family, the clinical phenotypes of affected individuals can vary significantly: some patients present with autism, epilepsy, intellectual developmental delay, motor developmental delay, attention deficit hyperactivity disorder, learning difficulties, with or without microcephaly, hypertelorism, short nose, thin upper lip, and micrognathia as craniofacial abnormalities; some patients exhibit congenital heart defects such as patent ductus arteriosus or atrial septal defect; while others show mild phenotypes or are merely carriers. The ClinGen database has assigned a haploinsufficiency score of 3 to this region, and current research suggests that the NDE1 gene is closely associated with the neurological phenotypes observed in patients with 16p13.11 microdeletion syndrome [PMID: 24105370]. In conclusion, the deletion in this region is classified as a pathogenic variant.